The following is an entry in ClinVar:

ClinVar aggregate classification (germline): Pathogenic. Review status: criteria provided, multiple submitters, no conflicts (2 of 4 stars). 3 submissions from 3 submitters: Pathogenic (2). 1 of the submissions does not count toward it. Last evaluated 2023-07-10.

Conditions:
Autism spectrum disorder due to AUTS2 deficiency (MRD26). Also called: INTELLECTUAL DEVELOPMENTAL DISORDER, AUTOSOMAL DOMINANT 26. Identifiers: Orphanet 352490, MedGen C4014435, MONDO:0014361, OMIM 615834.

Submissions (3):

Medical Genetics Center, Maternal and Child Health Hospital of Hubei Province
Classification: Pathogenic for Autism spectrum disorder due to AUTS2 deficiency. Last evaluated: 2023-07-10. Review status: criteria provided, single submitter. Criteria: ACMG Guidelines, 2015. Collection method: clinical testing. Allele origin: maternal. Affected: yes.
Comment: PVS1 + PM2_Supporting + PS2_Supporting

Equipe Genetique des Anomalies du Developpement, Université de Bourgogne
Classification: Pathogenic for Autism spectrum disorder due to AUTS2 deficiency. Last evaluated: 2018-05-16. Review status: criteria provided, single submitter. Criteria: ACMG Guidelines, 2015. Collection method: clinical testing. Allele origin: de novo. Affected: yes.

Solve-RD Consortium
Classification: Likely pathogenic for Autism spectrum disorder due to AUTS2 deficiency. Last evaluated: 2022-06-01. Review status: no assertion criteria provided. Collection method: provider interpretation. Allele origin: inherited. Affected: yes. Not counted in ClinVar's aggregate classification.
Comment: Variant confirmed as disease-causing by referring clinical team

Variant identified during reanalysis of unsolved cases by the Solve-RD project. The Solve-RD project has received funding from the European Union’s Horizon 2020 research and innovation programme under grant agreement No 779257.

Literature cited by the submitters: PubMed 39825153 (cited by Solve-RD Consortium).

NM_015570.4(AUTS2):c.901C>T (p.Gln301Ter)

Gene: AUTS2 (activator of transcription and developmental regulator AUTS2; plus strand). Cytogenetic location: 7q11.22.
Variant type: single nucleotide variant.
Coding change: c.901C>T on transcript NM_015570.4 (MANE Select); coding-DNA position 901, C replaced by T.
Protein change: p.Gln301Ter; replaces glutamine 301 with a stop codon.
Molecular consequence: nonsense.
Genome position (GRCh38, 1-based): chr7:70,763,028, C>T. VCF-style: chr7-70763028-C-T. GRCh37 (hg19) VCF-style: chr7-70228014-C-T.
Other names: c.901C>T, p.Gln301Ter (NM_001127231.3); short protein forms Q301*.
Identifiers: ClinVar variation 666574 (VCV000666574.3), dbSNP rs1585645641, ClinGen allele CA367667436.